The following is an entry in ClinVar:

ClinVar aggregate classification (germline): Likely benign (1 of 4 stars; one submission).

Allele frequency attached by ClinVar (database versions not stated): gnomAD 0.00007 and 0.00009; TOPMed 0.00008; 1000 Genomes Project 30x 0.00031.
gnomAD v4.1: 35 of 1,097,128 alleles (0.0032%); highest among the groups gnomAD compares: Middle Eastern, 0.08%; no homozygotes.

Submission:

GeneDx
Classification: Likely benign. Last evaluated: 2016-11-07. Review status: criteria provided, single submitter. Criteria: GeneDx Variant Classification (06012015). Collection method: clinical testing. Allele origin: germline. Affected: yes.
Comment: This variant is considered likely benign or benign based on one or more of the following criteria: it is a conservative change, it occurs at a poorly conserved position in the protein, it is predicted to be benign by multiple in silico algorithms, and/or has population frequency not consistent with disease.

NM_012213.3(MLYCD):c.-30G>C

Genes: MLYCD (malonyl-CoA decarboxylase; plus strand), LOC130059554 (ATAC-STARR-seq lymphoblastoid silent region 7769; plus strand). Cytogenetic location: 16q23.3.
Variant type: single nucleotide variant.
Coding change: c.-30G>C on transcript NM_012213.3 (MANE Select); 30 bases upstream of the start codon, G replaced by C.
Molecular consequence: 5 prime UTR variant.
Genome position (GRCh38, 1-based): chr16:83,899,115, G>C. VCF-style: chr16-83899115-G-C. GRCh37 (hg19) VCF-style: chr16-83932720-G-C.
Identifiers: ClinVar variation 389744 (VCV000389744.1), dbSNP rs915178750, ClinGen allele CA16607109.